The following is an entry in ClinVar:

NM_001374504.1(TMPRSS6):c.1008C>T (p.Leu336=)

Gene: TMPRSS6 (transmembrane serine protease 6; minus strand). Cytogenetic location: 22q12.3.
Variant type: single nucleotide variant.
Coding change: c.1008C>T on transcript NM_001374504.1 (MANE Select); coding-DNA position 1008, C replaced by T.
Protein change: p.Leu336=; no amino-acid change (leucine 336 retained).
Molecular consequence: synonymous variant.
Genome position (GRCh38, 1-based): chr22:37,084,805, G>A on the plus strand (C>T on the coding strand, the complement: TMPRSS6 is on the minus strand). VCF-style: chr22-37084805-G-A. GRCh37 (hg19) VCF-style: chr22-37480845-G-A.
Other names: c.1008C>T, p.Leu336= (NM_001289000.2, NM_001289001.2, NM_153609.4).
Identifiers: ClinVar variation 3038841 (VCV003038841.3), dbSNP rs756002103, ClinGen allele CA10215810.

ClinVar aggregate classification (germline): Likely benign. Review status: criteria provided, single submitter (1 of 4 stars). 2 submissions from 2 submitters: Likely benign (1). 1 of the submissions does not count toward it. Last evaluated 2025-09-30.

Conditions:
TMPRSS6-related disorder. Also called: TMPRSS6-related condition.

Allele frequency attached by ClinVar (database versions not stated): gnomAD exomes 0.00002; ExAC 0.00004; TOPMed 0.00006; gnomAD 0.00010.
gnomAD v4.1: 44 of 1,560,508 alleles (0.0028%); highest among the groups gnomAD compares: African/African-American, 0.012%; no homozygotes.

Submissions (2):

Labcorp Genetics (formerly Invitae), Labcorp
Classification: Likely benign. Last evaluated: 2025-09-30. Review status: criteria provided, single submitter. Criteria: Invitae Variant Classification Sherloc (09022015). Collection method: clinical testing. Allele origin: germline.

PreventionGenetics, part of Exact Sciences
Classification: Likely benign for TMPRSS6-related condition. Last evaluated: 2019-05-21. Review status: no assertion criteria provided. Collection method: clinical testing. Allele origin: germline. Not counted in ClinVar's aggregate classification.
Comment: This variant is classified as likely benign based on ACMG/AMP sequence variant interpretation guidelines (Richards et al. 2015 PMID: 25741868, with internal and published modifications).